The following is an entry in ClinVar:

ClinVar aggregate classification (germline): Uncertain significance. Review status: criteria provided, multiple submitters, no conflicts (2 of 4 stars). 3 submissions from 3 submitters: Uncertain significance (3). Last evaluated 2025-02-19.

Conditions:
Cardiovascular phenotype. Identifiers: MedGen CN230736.
RASopathy. Also called: Noonan spectrum disorder; rasopathies. Identifiers: Orphanet 536391, MedGen C5555857, MONDO:0021060.

Allele frequency attached by ClinVar (database versions not stated): gnomAD exomes below 0.00001.
gnomAD v4.1: 1 of 1,613,130 alleles (0.000062%); highest among the groups gnomAD compares: African/African-American, 0.0013%; no homozygotes.

Submissions (3):

Labcorp Genetics (formerly Invitae), Labcorp
Classification: Uncertain significance for RASopathy. Last evaluated: 2025-02-19. Review status: criteria provided, single submitter. Criteria: Invitae Variant Classification Sherloc (09022015). Collection method: clinical testing. Allele origin: germline.
Comment: This sequence change replaces isoleucine, which is neutral and non-polar, with threonine, which is neutral and polar, at codon 967 of the SOS1 protein (p.Ile967Thr). This variant is not present in population databases (gnomAD no frequency). This variant has not been reported in the literature in individuals affected with SOS1-related conditions. ClinVar contains an entry for this variant (Variation ID: 1797452). Invitae Evidence Modeling of protein sequence and biophysical properties (such as structural, functional, and spatial information, amino acid conservation, physicochemical variation, residue mobility, and thermodynamic stability) has been performed for this missense variant. However, the output from this modeling did not meet the statistical confidence thresholds required to predict the impact of this variant on SOS1 protein function. In summary, the available evidence is currently insufficient to determine the role of this variant in disease. Therefore, it has been classified as a Variant of Uncertain Significance.

GeneDx
Classification: Uncertain significance. Last evaluated: 2024-03-21. Review status: criteria provided, single submitter. Criteria: GeneDx Variant Classification Process June 2021. Collection method: clinical testing. Allele origin: germline. Affected: yes.
Comment: Not observed at significant frequency in large population cohorts (gnomAD); Missense variants in this gene are a common cause of disease and they are underrepresented in the general population; In silico analysis supports that this missense variant has a deleterious effect on protein structure/function; Has not been previously published as pathogenic or benign to our knowledge

Ambry Genetics
Classification: Uncertain significance for Cardiovascular phenotype. Last evaluated: 2021-07-01. Review status: criteria provided, single submitter. Criteria: Ambry Variant Classification Scheme 2023. Collection method: clinical testing. Allele origin: germline.
Comment: The p.I967T variant (also known as c.2900T>C), located in coding exon 18 of the SOS1 gene, results from a T to C substitution at nucleotide position 2900. The isoleucine at codon 967 is replaced by threonine, an amino acid with similar properties. This amino acid position is conserved. In addition, this alteration is predicted to be deleterious by in silico analysis. Since supporting evidence is limited at this time, the clinical significance of this alteration remains unclear.

NM_005633.4(SOS1):c.2900T>C (p.Ile967Thr)

Gene: SOS1 (SOS Ras/Rac guanine nucleotide exchange factor 1; minus strand). Cytogenetic location: 2p22.1.
Variant type: single nucleotide variant.
Coding change: c.2900T>C on transcript NM_005633.4 (MANE Select); coding-DNA position 2900, T replaced by C.
Protein change: p.Ile967Thr; replaces isoleucine 967 with threonine.
Molecular consequence: missense variant.
Genome position (GRCh38, 1-based): chr2:38,997,317, A>G on the plus strand (T>C on the coding strand, the complement: SOS1 is on the minus strand). VCF-style: chr2-38997317-A-G. GRCh37 (hg19) VCF-style: chr2-39224458-A-G.
Other names: c.2879T>C, p.Ile960Thr (NM_001382394.1); c.2900T>C, p.Ile967Thr (NM_001382395.1); short protein forms I960T, I967T.
Identifiers: ClinVar variation 1797452 (VCV001797452.4), dbSNP rs2528926008, ClinGen allele CA346361717.